The following is an entry in ClinVar:

ClinVar aggregate classification (germline): Likely pathogenic (1 of 4 stars; one submission).

Submission:

Labcorp Genetics (formerly Invitae), Labcorp
Classification: Likely pathogenic. Last evaluated: 2023-05-25. Review status: criteria provided, single submitter. Criteria: Invitae Variant Classification Sherloc (09022015). Collection method: clinical testing. Allele origin: germline.
Comment: In summary, the currently available evidence indicates that the variant is pathogenic, but additional data are needed to prove that conclusively. Therefore, this variant has been classified as Likely Pathogenic. This variant disrupts the p.Leu1943 amino acid residue in ABCA4. Other variant(s) that disrupt this residue have been determined to be pathogenic (PMID: 20647261, 28118664; Invitae). This suggests that this residue is clinically significant, and that variants that disrupt this residue are likely to be disease-causing. Advanced modeling of protein sequence and biophysical properties (such as structural, functional, and spatial information, amino acid conservation, physicochemical variation, residue mobility, and thermodynamic stability) performed at Invitae indicates that this missense variant is expected to disrupt ABCA4 protein function. ClinVar contains an entry for this variant (Variation ID: 2023019). This variant has not been reported in the literature in individuals affected with ABCA4-related conditions. This variant is not present in population databases (gnomAD no frequency). This sequence change replaces leucine, which is neutral and non-polar, with arginine, which is basic and polar, at codon 1943 of the ABCA4 protein (p.Leu1943Arg).

Literature cited by the submitters: PubMed 20647261; PubMed 28118664.

NM_000350.3(ABCA4):c.5828T>G (p.Leu1943Arg)

Gene: ABCA4 (ATP binding cassette subfamily A member 4; minus strand). Cytogenetic location: 1p22.1.
Variant type: single nucleotide variant.
Coding change: c.5828T>G on transcript NM_000350.3 (MANE Select); coding-DNA position 5828, T replaced by G.
Protein change: p.Leu1943Arg; replaces leucine 1943 with arginine.
Molecular consequence: missense variant.
Genome position (GRCh38, 1-based): chr1:94,008,758, A>C on the plus strand (T>G on the coding strand, the complement: ABCA4 is on the minus strand). VCF-style: chr1-94008758-A-C. GRCh37 (hg19) VCF-style: chr1-94474314-A-C.
Other names: c.5606T>G, p.Leu1869Arg (NM_001425324.1); short protein forms L1943R, L1869R.
Identifiers: ClinVar variation 2023019 (VCV002023019.4), dbSNP rs886044755, ClinGen allele CA341280119.
Genomic context (GRCh38, chr1:94,008,758, plus strand): 5'-CATGCCAACTGTGGATCTAACCAGCACCTCCAAACTCATACCCATTCCCTTACCTTGGTT[A>C]GTTCATGTAGCCTTAAGATGTCAGTTTTATTTCCACCAGTAATAATTCTTTGTCTTTCTT-3'
Protein context (NP_000341.2, residues 1933-1953): NKTDILRLHE[Leu1943Arg]TKIYPGTSSP